The following is an entry in ClinVar:

ClinVar aggregate classification (germline): Pathogenic (1 of 4 stars; one submission).

Submission:

GeneDx
Classification: Pathogenic. Last evaluated: 2023-12-07. Review status: criteria provided, single submitter. Criteria: GeneDx Variant Classification Process June 2021. Collection method: clinical testing. Allele origin: germline. Affected: yes.
Comment: Canonical splice site variant predicted to result in a null allele in a gene for which loss of function is a known mechanism of disease; Not observed at significant frequency in large population cohorts (gnomAD); Has not been previously published as pathogenic or benign to our knowledge

NM_000719.7(CACNA1C):c.478-2A>G

Gene: CACNA1C (calcium voltage-gated channel subunit alpha1 C; plus strand). Cytogenetic location: 12p13.33.
Variant type: single nucleotide variant.
Coding change: c.478-2A>G on transcript NM_000719.7 (MANE Select); the canonical splice acceptor site of the intron before coding-DNA position 478, A replaced by G.
Molecular consequence: splice acceptor variant.
Genome position (GRCh38, 1-based): chr12:2,448,974, A>G. VCF-style: chr12-2448974-A-G. GRCh37 (hg19) VCF-style: chr12-2558140-A-G.
Other names: c.478-2A>G (NM_001167624.3, NM_001167623.2, NM_001167625.2 and 19 more transcripts).
Identifiers: ClinVar variation 3252305 (VCV003252305.1), dbSNP rs2552094523.